The following is an entry in ClinVar:

ClinVar aggregate classification (germline): Uncertain significance (1 of 4 stars; one submission).

Conditions:
Cortical dysplasia-focal epilepsy syndrome (PTHSL1). Also called: Pitt-Hopkins-like syndrome 1. Identifiers: Orphanet 163681, Orphanet 221150, MedGen C2750246, MONDO:0012400, OMIM 610042.

Submission:

Labcorp Genetics (formerly Invitae), Labcorp
Classification: Uncertain significance for Cortical dysplasia-focal epilepsy syndrome. Last evaluated: 2022-06-20. Review status: criteria provided, single submitter. Criteria: Invitae Variant Classification Sherloc (09022015). Collection method: clinical testing. Allele origin: germline.
Comment: In summary, the available evidence is currently insufficient to determine the role of this variant in disease. Therefore, it has been classified as a Variant of Uncertain Significance. This variant has not been reported in the literature in individuals affected with CNTNAP2-related conditions. This variant results in a copy number gain of the genomic region encompassing exon(s) 2-8 of the CNTNAP2 gene. While the exact position of this variant cannot be determined from the data, sub-genic copy number gains are generally in tandem (PMID: 25640679). This variant is predicted to be in-frame, and likely preserves the integrity of the reading frame.

Literature cited by the submitters: PubMed 25640679.

NC_000007.13:g.(?_146471343)_(146829621_?)dup

Gene: CNTNAP2 (contactin associated protein 2; plus strand). Cytogenetic location: 7q35.
Variant type: Duplication.
Identifiers: ClinVar variation 1411789 (VCV001411789.7).